The following is an entry in ClinVar:

NM_004006.3(DMD):c.3679C>T (p.Gln1227Ter)

Gene: DMD (dystrophin; minus strand). Cytogenetic location: Xp21.1.
Variant type: single nucleotide variant.
Coding change: c.3679C>T on transcript NM_004006.3 (MANE Select); coding-DNA position 3679, C replaced by T.
Protein change: p.Gln1227Ter; replaces glutamine 1227 with a stop codon.
Molecular consequence: nonsense.
Genome position (GRCh38, 1-based): chrX:32,448,563, G>A on the plus strand (C>T on the coding strand, the complement: DMD is on the minus strand). VCF-style: chrX-32448563-G-A. GRCh37 (hg19) VCF-style: chrX-32466680-G-A.
Other names: c.3655C>T, p.Gln1219Ter (NM_000109.4); c.3667C>T, p.Gln1223Ter (NM_004009.3); c.3310C>T, p.Gln1104Ter (NM_004010.3); short protein forms Q1227*, Q1104*, Q1223*, Q1219*.
Identifiers: ClinVar variation 572550 (VCV000572550.6), dbSNP rs1569562941, ClinGen allele CA412662075.

ClinVar aggregate classification (germline): Pathogenic. Review status: criteria provided, multiple submitters, no conflicts (2 of 4 stars). 2 submissions from 2 submitters: Pathogenic (2). Last evaluated 2025-07-18.

Conditions:
Becker muscular dystrophy (BMD). Also called: Becker Muscular Dystrophy (BMD); MUSCULAR DYSTROPHY, PSEUDOHYPERTROPHIC PROGRESSIVE, BECKER TYPE. Identifiers: Orphanet 98895, MedGen C0917713, MONDO:0010311, OMIM 300376.
Duchenne muscular dystrophy (DMD). Also called: Duchenne Muscular Dystrophy (DMD); MUSCULAR DYSTROPHY, PSEUDOHYPERTROPHIC PROGRESSIVE, DUCHENNE TYPE. Identifiers: Orphanet 98896, MedGen C0013264, MONDO:0010679, OMIM 310200.

Submissions (2):

Otogenetics
Classification: Pathogenic for Duchenne muscular dystrophy; Becker muscular dystrophy. Last evaluated: 2025-07-18. Review status: criteria provided, single submitter. Criteria: ACMG Guidelines, 2015. Collection method: clinical testing. Allele origin: germline.
Comment: PVS1: Null variant introduces a premature stop codon in a gene with loss of function as mechanism of disease, predicted to undergo NMD; PM2: Variant not observed in gnomAD (<0.05% threshold); PP4: Variant reported in patient with highly specific phenotype for disease fitting (PMID:11524473)

Labcorp Genetics (formerly Invitae), Labcorp
Classification: Pathogenic for Duchenne muscular dystrophy. Last evaluated: 2021-08-13. Review status: criteria provided, single submitter. Criteria: Invitae Variant Classification Sherloc (09022015). Collection method: clinical testing. Allele origin: germline.

Literature cited by the submitters: PubMed 11524473 (cited by Otogenetics).